The following is an entry in ClinVar:

ClinVar aggregate classification (germline): Uncertain significance (1 of 4 stars; one submission).

Conditions:
Baller-Gerold syndrome (BGS). Also called: CRANIOSYNOSTOSIS WITH RADIAL DEFECTS. Identifiers: Orphanet 1225, MedGen C0265308, MONDO:0009039, OMIM 218600.

Submission:

Labcorp Genetics (formerly Invitae), Labcorp
Classification: Uncertain significance for Baller-Gerold syndrome. Last evaluated: 2021-01-26. Review status: criteria provided, single submitter. Criteria: Invitae Variant Classification Sherloc (09022015). Collection method: clinical testing. Allele origin: germline.
Comment: In summary, the available evidence is currently insufficient to determine the role of this variant in disease. Therefore, it has been classified as a Variant of Uncertain Significance. Experimental studies and prediction algorithms are not available or were not evaluated, and the functional significance of this variant is currently unknown. This variant has not been reported in the literature in individuals with RECQL4-related conditions. This variant is not present in population databases (ExAC no frequency). This sequence change replaces arginine with methionine at codon 1150 of the RECQL4 protein (p.Arg1150Met). The arginine residue is moderately conserved and there is a moderate physicochemical difference between arginine and methionine.

NM_004260.4(RECQL4):c.3449G>T (p.Arg1150Met)

Gene: RECQL4 (RecQ like helicase 4; minus strand). Cytogenetic location: 8q24.3.
Variant type: single nucleotide variant.
Coding change: c.3449G>T on transcript NM_004260.4 (MANE Select); coding-DNA position 3449, G replaced by T.
Protein change: p.Arg1150Met; replaces arginine 1150 with methionine.
Molecular consequence: missense variant.
Genome position (GRCh38, 1-based): chr8:144,511,734, C>A on the plus strand (G>T on the coding strand, the complement: RECQL4 is on the minus strand). VCF-style: chr8-144511734-C-A. GRCh37 (hg19) VCF-style: chr8-145737117-C-A.
Other names: short protein forms R1150M.
Identifiers: ClinVar variation 845248 (VCV000845248.5), dbSNP rs780676589, ClinGen allele CA372667091.
Genomic context (GRCh38, chr8:144,511,734, plus strand): 5'-GCCTCACCGATGCCGTGGAAGATGCGGGCCACAGCCCTGCTGGAGAACTTCTCCTCTGGC[C>A]TCAGGGACAGGAACTGGCGGATGTCGCAGCGGACCTGGTCCTCCCAATCCTGGAGCTGTG-3'
Protein context (NP_004251.4, residues 1140-1160): RCDIRQFLSL[Arg1150Met]PEEKFSSRAV